The following is an entry in ClinVar:

NM_000455.5(STK11):c.444C>T (p.Phe148=)

Gene: STK11 (serine/threonine kinase 11; plus strand). Cytogenetic location: 19p13.3.
Variant type: single nucleotide variant.
Coding change: c.444C>T on transcript NM_000455.5 (MANE Select); coding-DNA position 444, C replaced by T.
Protein change: p.Phe148=; no amino-acid change (phenylalanine 148 retained).
Molecular consequence: synonymous variant.
Genome position (GRCh38, 1-based): chr19:1,219,393, C>T. VCF-style: chr19-1219393-C-T. GRCh37 (hg19) VCF-style: chr19-1219392-C-T.
Other names: c.444C>T (NM_000455.4).
Identifiers: ClinVar variation 1561310 (VCV001561310.11), dbSNP rs1283208395, ClinGen allele CA504706615.
Genomic context (GRCh38, chr19:1,219,393, plus strand): 5'-GATGGAGTACTGCGTGTGTGGCATGCAGGAAATGCTGGACAGCGTGCCGGAGAAGCGTTT[C>T]CCAGTGTGCCAGGCCCACGGGTGCGTGCGCGGGGCAGGGGCCAGGGTGGGGCGGGGGCCG-3'
Protein context (NP_000446.1, residues 138-158): EMLDSVPEKR[Phe148=]PVCQAHGYFC

ClinVar aggregate classification (germline): Conflicting classifications of pathogenicity. Review status: criteria provided, conflicting classifications (1 of 4 stars). 4 submissions from 4 submitters: Uncertain significance (1); Benign (1); Likely benign (2). Last evaluated 2025-08-22.

Conditions:
Hereditary cancer-predisposing syndrome. Also called: Neoplastic Syndromes, Hereditary; Hereditary Cancer Syndrome; Hereditary neoplastic syndrome; Tumor predisposition. Identifiers: Orphanet 140162, MedGen C0027672, MeSH D009386, MONDO:0015356.
Peutz-Jeghers syndrome (PJS). Also called: Peutz-Jeghers polyposis; Periorificial lentiginosis syndrome; POLYPOSIS, HAMARTOMATOUS INTESTINAL; POLYPS-AND-SPOTS SYNDROME. Identifiers: Orphanet 2869, MedGen C0031269, MeSH D010580, MONDO:0008280, OMIM 175200.

Allele frequency attached by ClinVar (database versions not stated): gnomAD 0.00001.
gnomAD v4.1: 1 of 1,544,836 alleles (0.000065%); highest among the groups gnomAD compares: Non-Finnish European, 0.000087%; no homozygotes.

Submissions (4):

Ambry Genetics
Classification: Likely benign for Hereditary cancer-predisposing syndrome. Last evaluated: 2025-08-22. Review status: criteria provided, single submitter. Criteria: Ambry Variant Classification Scheme 2023. Collection method: clinical testing. Allele origin: germline.

Myriad Genetics, Inc.
Classification: Benign for Peutz-Jeghers syndrome. Last evaluated: 2025-03-26. Review status: criteria provided, single submitter. Criteria: Myriad Autosomal Dominant, Autosomal Recessive and X-Linked Classification Criteria (2023). Collection method: clinical testing. Allele origin: unknown.
Comment: This variant is considered benign. This variant is a silent/synonymous amino acid change and it is not expected to impact splicing.

All of Us Research Program, National Institutes of Health
Classification: Uncertain significance for Peutz-Jeghers syndrome. Last evaluated: 2023-09-04. Review status: criteria provided, single submitter. Criteria: ACMG Guidelines, 2015. Collection method: clinical testing. Allele origin: germline. Inheritance: Autosomal dominant inheritance. Observed: 1 variant allele, 1 heterozygote.
Comment: This variant is located in the STK11 protein. To our knowledge, functional studies have not been reported for this variant. This variant has not been reported in individuals affected with STK11-related disorders in the literature. This variant has been identified in 1/31310 chromosomes in the general population by the Genome Aggregation Database (gnomAD). The available evidence is insufficient to determine the role of this variant in disease conclusively. Therefore, this variant is classified as a Variant of Uncertain Significance.

This study involves interpretation of variants in research participants for the purpose of population health screening. Participant phenotype was not available at the time of variant classification. Additional details can be found in publication PMID: 35346344, PMCID: PMC8962531

Labcorp Genetics (formerly Invitae), Labcorp
Classification: Likely benign for Peutz-Jeghers syndrome. Last evaluated: 2022-03-20. Review status: criteria provided, single submitter. Criteria: Invitae Variant Classification Sherloc (09022015). Collection method: clinical testing. Allele origin: germline.